The following is an entry in ClinVar:

ClinVar aggregate classification (germline): Conflicting classifications of pathogenicity. Review status: criteria provided, conflicting classifications (1 of 4 stars). 6 submissions from 6 submitters: Uncertain significance (5); Likely benign (1). Last evaluated 2026-04-21.

Conditions:
Inborn genetic diseases. Identifiers: MedGen C0950123, MeSH D030342.
PLEC-related disorder. Also called: PLEC-related condition; PLEC-related disorders.
Autosomal recessive limb-girdle muscular dystrophy type 2Q (LGMDR17). Also called: MUSCULAR DYSTROPHY, LIMB-GIRDLE, AUTOSOMAL RECESSIVE 17. Identifiers: Orphanet 254361, MedGen C3150989, MONDO:0013390, OMIM 613723.
Epidermolysis bullosa simplex 5B, with muscular dystrophy (EBS5B). Also called: EPIDERMOLYSIS BULLOSA SIMPLEX AND LIMB-GIRDLE MUSCULAR DYSTROPHY; Epidermolysis bullosa simplex with muscular dystrophy. Identifiers: Orphanet 257, MedGen C2931072, MONDO:0009181, OMIM 226670.
Epidermolysis bullosa simplex, Ogna type (EBS5A). Also called: Pidermolysis bullosa simplex 5A, Ogna type; EPIDERMOLYSIS BULLOSA SIMPLEX 5A, OGNA TYPE. Identifiers: Orphanet 79401, MedGen C0432317, MONDO:0007555, OMIM 131950.
Epidermolysis bullosa simplex with nail dystrophy (EBS5D). Identifiers: MedGen C4225309, MONDO:0014661, OMIM 616487.
Epidermolysis bullosa simplex 5C, with pyloric atresia (EBS5C). Also called: PLEC-Related Epidermolysis Bullosa with Pyloric Atresia; Epidermolysis bullosa simplex with pyloric atresia; PLEC1-Related Epidermolysis Bullosa with Pyloric Atresia. Identifiers: Orphanet 158684, MedGen C2677349, MONDO:0012807, OMIM 612138.

Allele frequency attached by ClinVar (database versions not stated): gnomAD exomes 0.00001 and 0.00003; ExAC 0.00004; gnomAD 0.00008 and 0.00009; TOPMed 0.00013; 1000 Genomes Project 30x 0.00016; 1000 Genomes Project 0.00020; ESP Exome Variant Server 0.00024.
gnomAD v4.1: 29 of 1,604,586 alleles (0.0018%); highest among the groups gnomAD compares: African/African-American, 0.036%; no homozygotes.

Submissions (6):

PreventionGenetics, part of Exact Sciences
Classification: Uncertain significance for PLEC-related condition. Last evaluated: 2026-04-21. Review status: criteria provided, single submitter. Criteria: ACMG Guidelines, 2015. Collection method: clinical testing. Allele origin: germline.
Comment: The PLEC c.9248C>A variant is predicted to result in the amino acid substitution p.Ala3083Asp. To our knowledge, this variant has not been reported in the literature. This variant is reported in 0.039% of alleles in individuals of African descent in gnomAD. At this time, the clinical significance of this variant is uncertain due to the absence of conclusive functional and genetic evidence.

Labcorp Genetics (formerly Invitae), Labcorp
Classification: Uncertain significance for Autosomal recessive limb-girdle muscular dystrophy type 2Q; Epidermolysis bullosa simplex, Ogna type; Epidermolysis bullosa simplex with nail dystrophy; Epidermolysis bullosa simplex 5C, with pyloric atresia; Epidermolysis bullosa simplex 5B, with muscular dystrophy. Last evaluated: 2025-12-03. Review status: criteria provided, single submitter. Criteria: Invitae Variant Classification Sherloc (09022015). Collection method: clinical testing. Allele origin: germline.
Comment: This sequence change replaces alanine, which is neutral and non-polar, with aspartic acid, which is acidic and polar, at codon 3083 of the PLEC protein (p.Ala3083Asp). This variant is present in population databases (rs373831849, gnomAD 0.04%). This variant has not been reported in the literature in individuals affected with PLEC-related conditions. ClinVar contains an entry for this variant (Variation ID: 514034). An algorithm developed to predict the effect of missense changes on protein structure and function (PolyPhen-2) suggests that this variant is likely to be disruptive. In summary, the available evidence is currently insufficient to determine the role of this variant in disease. Therefore, it has been classified as a Variant of Uncertain Significance.

Ambry Genetics
Classification: Uncertain significance for Inborn genetic diseases. Last evaluated: 2025-11-05. Review status: criteria provided, single submitter. Criteria: Ambry Variant Classification Scheme 2023. Collection method: clinical testing. Allele origin: germline.

Athena Diagnostics
Classification: Uncertain significance. Last evaluated: 2023-07-13. Review status: criteria provided, single submitter. Criteria: Athena Diagnostics Criteria. Collection method: clinical testing. Allele origin: unknown.
Comment: Available data are insufficient to determine the clinical significance of the variant at this time. The frequency of this variant in the general population is uninformative in assessment of its pathogenicity. Computational tools predict that this variant is not damaging.

Revvity Omics, Revvity
Classification: Uncertain significance. Last evaluated: 2022-01-07. Review status: criteria provided, single submitter. Criteria: ACMG Guidelines, 2015. Collection method: clinical testing. Allele origin: germline.

GeneDx
Classification: Likely benign. Last evaluated: 2017-12-13. Review status: criteria provided, single submitter. Criteria: GeneDx Variant Classification (06012015). Collection method: clinical testing. Allele origin: germline. Affected: yes.
Comment: This variant is considered likely benign or benign based on one or more of the following criteria: it is a conservative change, it occurs at a poorly conserved position in the protein, it is predicted to be benign by multiple in silico algorithms, and/or has population frequency not consistent with disease.

NM_201384.3(PLEC):c.9167C>A (p.Ala3056Asp)

Gene: PLEC (plectin; minus strand). Cytogenetic location: 8q24.3.
Variant type: single nucleotide variant.
Coding change: c.9167C>A on transcript NM_201384.3 (MANE Select); coding-DNA position 9167, C replaced by A.
Protein change: p.Ala3056Asp; replaces alanine 3056 with aspartic acid.
Molecular consequence: missense variant.
Genome position (GRCh38, 1-based): chr8:143,920,654, G>T on the plus strand (C>A on the coding strand, the complement: PLEC is on the minus strand). VCF-style: chr8-143920654-G-T. GRCh37 (hg19) VCF-style: chr8-144994822-G-T.
Other names: c.9248C>A, p.Ala3083Asp (NM_000445.5); c.9125C>A, p.Ala3042Asp (NM_201378.4); c.9101C>A, p.Ala3034Asp (NM_201379.3); c.9578C>A, p.Ala3193Asp (NM_201380.4); c.9071C>A, p.Ala3024Asp (NM_201381.3); c.9167C>A, p.Ala3056Asp (NM_201382.4); c.9179C>A, p.Ala3060Asp (NM_201383.3); short protein forms A3024D, A3034D, A3042D, A3056D, A3060D, A3083D, A3193D.
Identifiers: ClinVar variation 514034 (VCV000514034.22), dbSNP rs373831849, ClinGen allele CA4925052.
Genomic context (GRCh38, chr8:143,920,654, plus strand): 5'-AGCCGGGCGCTGGTGGCGGGGTCGATGATGTGCCCGGTGCCGGCCTGGGCTTCCAACAGG[G>T]CCACGGCCATGTCGGATGGCAGCAGGTCTTTCTTCAGGGCATTGTAGATACTCAGCTTCT-3'
Protein context (NP_958786.1, residues 3046-3066): KDLLPSDMAV[Ala3056Asp]LLEAQAGTGH